The following is an entry in ClinVar:

NM_015909.4(NBAS):c.5942A>G (p.Gln1981Arg)

Gene: NBAS (NBAS subunit of NRZ tethering complex; minus strand). Cytogenetic location: 2p24.3.
Variant type: single nucleotide variant.
Coding change: c.5942A>G on transcript NM_015909.4 (MANE Select); coding-DNA position 5942, A replaced by G.
Protein change: p.Gln1981Arg; replaces glutamine 1981 with arginine.
Molecular consequence: missense variant. On other transcripts: non-coding transcript variant (1).
Genome position (GRCh38, 1-based): chr2:15,238,469, T>C on the plus strand (A>G on the coding strand, the complement: NBAS is on the minus strand). VCF-style: chr2-15238469-T-C. GRCh37 (hg19) VCF-style: chr2-15378593-T-C.
Other names: short protein forms Q1981R.
Identifiers: ClinVar variation 4625775 (VCV004625775.2).
Genomic context (GRCh38, chr2:15,238,469, plus strand): 5'-GGAAAAAAGAAAGAATATACTGATACAGAGTGAGCATATAGAAGTTCCCATTTCTTTACC[T>C]GCTCACTATTCTTCAGAGAAAGGATGAAGCTGTGGCTCAGGGTTTCCAGGTGGGCAAGTG-3'
Protein context (NP_056993.2, residues 1971-1991): SFILSLKNSE[Gln1981Arg]ETLQKYSHLY

ClinVar aggregate classification (germline): Uncertain significance. Review status: criteria provided, multiple submitters, no conflicts (2 of 4 stars). 2 submissions from 2 submitters: Uncertain significance (2). Last evaluated 2026-01-15.

Conditions:
Inborn genetic diseases. Identifiers: MedGen C0950123, MeSH D030342.

gnomAD v4.1: 6 of 1,613,926 alleles (0.00037%); highest among the groups gnomAD compares: East Asian, 0.0045%; no homozygotes.

Submissions (2):

Labcorp Genetics (formerly Invitae), Labcorp
Classification: Uncertain significance. Last evaluated: 2026-01-15. Review status: criteria provided, single submitter. Criteria: Invitae Variant Classification Sherloc (09022015). Collection method: clinical testing. Allele origin: germline.
Comment: This sequence change replaces glutamine, which is neutral and polar, with arginine, which is basic and polar, at codon 1981 of the NBAS protein (p.Gln1981Arg). This variant is not present in population databases (gnomAD no frequency). This variant has not been reported in the literature in individuals affected with NBAS-related conditions. Invitae Evidence Modeling of protein sequence and biophysical properties (such as structural, functional, and spatial information, amino acid conservation, physicochemical variation, residue mobility, and thermodynamic stability) has been performed for this missense variant. However, the output from this modeling did not meet the statistical confidence thresholds required to predict the impact of this variant on NBAS protein function. In summary, the available evidence is currently insufficient to determine the role of this variant in disease. Therefore, it has been classified as a Variant of Uncertain Significance.

Ambry Genetics
Classification: Uncertain significance for Inborn genetic diseases. Last evaluated: 2025-11-26. Review status: criteria provided, single submitter. Criteria: Ambry Variant Classification Scheme 2023. Collection method: clinical testing. Allele origin: germline.